The following is an entry in ClinVar:

NM_020778.5(ALPK3):c.1612A>T (p.Ser538Cys)

Genes: ALPK3 (alpha kinase 3; plus strand), LOC111718493 (skeletal muscle cis-regulatory module overlapping ALPK3; plus strand). Cytogenetic location: 15q25.3.
Variant type: single nucleotide variant.
Coding change: c.1612A>T on transcript NM_020778.5 (MANE Select); coding-DNA position 1612, A replaced by T.
Protein change: p.Ser538Cys; replaces serine 538 with cysteine.
Molecular consequence: missense variant.
Genome position (GRCh38, 1-based): chr15:84,840,891, A>T. VCF-style: chr15-84840891-A-T. GRCh37 (hg19) VCF-style: chr15-85384122-A-T.
Other names: c.2218A>T (NM_020778.4); short protein forms S538C.
Identifiers: ClinVar variation 1475900 (VCV001475900.9), dbSNP rs1306312501, ClinGen allele CA393376112.

ClinVar aggregate classification (germline): Uncertain significance. Review status: criteria provided, multiple submitters, no conflicts (2 of 4 stars). 4 submissions from 4 submitters: Uncertain significance (4). Last evaluated 2024-08-25.

Conditions:
Cardiovascular phenotype. Identifiers: MedGen CN230736.
Cardiomyopathy, familial hypertrophic 27. Identifiers: MedGen C4748014, MONDO:0054838, OMIM 618052.

gnomAD v4.1: 3 of 1,611,814 alleles (0.00019%); no homozygotes.

Submissions (4):

Ambry Genetics
Classification: Uncertain significance for Cardiovascular phenotype. Last evaluated: 2024-08-25. Review status: criteria provided, single submitter. Criteria: Ambry Variant Classification Scheme 2023. Collection method: clinical testing. Allele origin: germline.
Comment: The p.S740C variant (also known as c.2218A>T), located in coding exon 5 of the ALPK3 gene, results from an A to T substitution at nucleotide position 2218. The serine at codon 740 is replaced by cysteine, an amino acid with dissimilar properties. This amino acid position is conserved. In addition, the in silico prediction for this alteration is inconclusive. Based on the available evidence, the clinical significance of this variant remains unclear.

Labcorp Genetics (formerly Invitae), Labcorp
Classification: Uncertain significance. Last evaluated: 2024-01-17. Review status: criteria provided, single submitter. Criteria: Invitae Variant Classification Sherloc (09022015). Collection method: clinical testing. Allele origin: germline.
Comment: This sequence change replaces serine, which is neutral and polar, with cysteine, which is neutral and slightly polar, at codon 740 of the ALPK3 protein (p.Ser740Cys). This variant is not present in population databases (gnomAD no frequency). This variant has not been reported in the literature in individuals affected with ALPK3-related conditions. ClinVar contains an entry for this variant (Variation ID: 1475900). An algorithm developed to predict the effect of missense changes on protein structure and function (PolyPhen-2) suggests that this variant is likely to be disruptive. In summary, the available evidence is currently insufficient to determine the role of this variant in disease. Therefore, it has been classified as a Variant of Uncertain Significance.

Clinical Genomics Laboratory, Stanford Medicine
Classification: Uncertain significance for Cardiomyopathy, familial hypertrophic 27. Last evaluated: 2022-11-22. Review status: criteria provided, single submitter. Criteria: ACMG Guidelines, 2015. Collection method: clinical testing. Allele origin: germline. Observed: 1 variant allele, 1 heterozygote.
Comment: The p.Ser538Cys variant in the ALPK3 gene has not been previously reported in association with disease. This variant was absent from large population databases, including the Genome Aggregation Database. This variant is present in ClinVar (VCV001475900.6). The serine at position 538 is evolutionarily conserved. Computational tools predict that the p.Ser538Cys variant is neither deleterious nor benign; however, the accuracy of in silico algorithms is limited. These data were assessed using the ACMG/AMP variant interpretation guidelines. In summary, the significance of the p.Ser538Cys variant is uncertain. Additional information is needed to resolve the significance of this variant. [ACMG evidence codes used: PM2]

Blueprint Genetics
Classification: Uncertain significance. Last evaluated: 2020-01-15. Review status: criteria provided, single submitter. Criteria: ACMG Guidelines, 2015. Collection method: clinical testing. Allele origin: germline.